The following is an entry in ClinVar:

ClinVar aggregate classification (germline): Uncertain significance (1 of 4 stars; one submission).

Submission:

CeGaT Center for Human Genetics Tuebingen
Classification: Uncertain significance. Last evaluated: 2026-08-01. Review status: criteria provided, single submitter. Criteria: CeGaT Center For Human Genetics Tuebingen Variant Classification Criteria Version 2. Collection method: clinical testing. Allele origin: germline. Affected: yes. Observed: 1 variant allele.
Comment: CRAT: PM2, BP4

NM_000755.5(CRAT):c.1726G>A (p.Val576Ile)

Gene: CRAT (carnitine O-acetyltransferase; minus strand). Cytogenetic location: 9q34.11.
Variant type: single nucleotide variant.
Coding change: c.1726G>A on transcript NM_000755.5 (MANE Select); coding-DNA position 1726, G replaced by A.
Protein change: p.Val576Ile; replaces valine 576 with isoleucine.
Molecular consequence: missense variant.
Genome position (GRCh38, 1-based): chr9:129,095,552, C>T on the plus strand (G>A on the coding strand, the complement: CRAT is on the minus strand). VCF-style: chr9-129095552-C-T. GRCh37 (hg19) VCF-style: chr9-131857831-C-T.
Other names: c.1663G>A, p.Val555Ile (NM_001257363.3, NM_004003.4); c.1729G>A, p.Val577Ile (NM_001346546.2); c.1654G>A, p.Val552Ile (NM_001346547.2); c.1591G>A, p.Val531Ile (NM_001346548.2); c.1606G>A, p.Val536Ile (NM_001346549.2); short protein forms V531I, V536I, V552I, V555I, V576I, V577I.
Identifiers: ClinVar variation 5040657 (VCV005040657.1).